The following is an entry in ClinVar:

ClinVar aggregate classification (germline): Uncertain significance (1 of 4 stars; one submission).

Conditions:
Charcot-Marie-Tooth disease type 4. Also called: Charcot-Marie-Tooth, Type 4; Charcot-Marie-Tooth disease, type IV. Identifiers: Orphanet 64749, MedGen C4082197, MONDO:0018995.

Submission:

Labcorp Genetics (formerly Invitae), Labcorp
Classification: Uncertain significance for Charcot-Marie-Tooth disease type 4. Last evaluated: 2024-08-21. Review status: criteria provided, single submitter. Criteria: Invitae Variant Classification Sherloc (09022015). Collection method: clinical testing. Allele origin: germline.
Comment: This sequence change falls in intron 14 of the MTMR2 gene. It does not directly change the encoded amino acid sequence of the MTMR2 protein. It affects a nucleotide within the consensus splice site. This variant is not present in population databases (gnomAD no frequency). This variant has not been reported in the literature in individuals affected with MTMR2-related conditions. ClinVar contains an entry for this variant (Variation ID: 582084). Variants that disrupt the consensus splice site are a relatively common cause of aberrant splicing (PMID: 17576681, 9536098). Algorithms developed to predict the effect of sequence changes on RNA splicing suggest that this variant is not likely to affect RNA splicing. In summary, the available evidence is currently insufficient to determine the role of this variant in disease. Therefore, it has been classified as a Variant of Uncertain Significance.

Literature cited by the submitters: PubMed 17576681; PubMed 9536098.

NM_016156.6(MTMR2):c.1770+4T>C

Gene: MTMR2 (myotubularin related protein 2; minus strand). Cytogenetic location: 11q21.
Variant type: single nucleotide variant.
Coding change: c.1770+4T>C on transcript NM_016156.6 (MANE Select); 4 bases into the intron after coding-DNA position 1770, T replaced by C.
Molecular consequence: intron variant.
Genome position (GRCh38, 1-based): chr11:95,836,144, A>G on the plus strand (T>C on the coding strand, the complement: MTMR2 is on the minus strand). VCF-style: chr11-95836144-A-G. GRCh37 (hg19) VCF-style: chr11-95569308-A-G.
Other names: c.1554+4T>C (NM_201281.3, NM_201278.3, NM_001243571.2).
Identifiers: ClinVar variation 582084 (VCV000582084.8), dbSNP rs1565342479, ClinGen allele CA891843467.